The following is an entry in ClinVar:

ClinVar aggregate classification (germline): Uncertain significance. Review status: criteria provided, multiple submitters, no conflicts (2 of 4 stars). 5 submissions from 5 submitters: Uncertain significance (5). Last evaluated 2026-02-02.

Conditions:
Senior-Loken syndrome 1 (SLSN1). Also called: JUVENILE NEPHRONOPHTHISIS WITH LEBER AMAUROSIS. Identifiers: Orphanet 3156, MedGen C4551559, MONDO:0009962, OMIM 266900.
Joubert syndrome with renal defect. Also called: JOUBERT SYNDROME 4. Identifiers: Orphanet 220497, MedGen C1846790, MONDO:0012308, OMIM 609583.
Nephronophthisis 1 (NPHP1). Also called: Nephronophthisis familial juvenile. Identifiers: Orphanet 655, Orphanet 93592, MedGen C1855681, MONDO:0009728, OMIM 256100.
Inborn genetic diseases. Identifiers: MedGen C0950123, MeSH D030342.
Nephronophthisis. Also called: Juvenile Nephronophthisis. Identifiers: Orphanet 655, MedGen C0687120, MONDO:0019005, HP:0000090.
NPHP1-related disorder. Also called: NPHP1-related condition; NPHP1-related disorders.

Allele frequency attached by ClinVar (database versions not stated): gnomAD exomes below 0.00001; TOPMed 0.00002; ExAC 0.00001; gnomAD 0.00001.
gnomAD v4.1: 7 of 1,612,062 alleles (0.00043%); highest among the groups gnomAD compares: Non-Finnish European, 0.00059%; no homozygotes.

Submissions (5):

PreventionGenetics, part of Exact Sciences
Classification: Uncertain significance for NPHP1-related condition. Last evaluated: 2026-02-02. Review status: criteria provided, single submitter. Criteria: ACMG Guidelines, 2015. Collection method: clinical testing. Allele origin: germline.
Comment: The NPHP1 c.1874A>T variant is predicted to result in the amino acid substitution p.Asp625Val. To our knowledge, this variant has not been reported in the literature. This variant is reported in 0.00078% of alleles in individuals of European (non-Finnish) descent in gnomAD. At this time, the clinical significance of this variant is uncertain due to the absence of conclusive functional and genetic evidence.

Ambry Genetics
Classification: Uncertain significance for Inborn genetic diseases. Last evaluated: 2025-02-11. Review status: criteria provided, single submitter. Criteria: Ambry Variant Classification Scheme 2023. Collection method: clinical testing. Allele origin: germline.

Fulgent Genetics
Classification: Uncertain significance for Nephronophthisis 1; Senior-Loken syndrome 1; Joubert syndrome with renal defect. Last evaluated: 2024-01-11. Review status: criteria provided, single submitter. Criteria: ACMG Guidelines, 2015. Collection method: clinical testing. Allele origin: germline.

Labcorp Genetics (formerly Invitae), Labcorp
Classification: Uncertain significance for Nephronophthisis. Last evaluated: 2022-08-09. Review status: criteria provided, single submitter. Criteria: Invitae Variant Classification Sherloc (09022015). Collection method: clinical testing. Allele origin: germline.
Comment: This sequence change replaces aspartic acid, which is acidic and polar, with valine, which is neutral and non-polar, at codon 625 of the NPHP1 protein (p.Asp625Val). This variant is present in population databases (rs778619698, gnomAD 0.0008%). This variant has not been reported in the literature in individuals affected with NPHP1-related conditions. ClinVar contains an entry for this variant (Variation ID: 1315299). Algorithms developed to predict the effect of missense changes on protein structure and function are either unavailable or do not agree on the potential impact of this missense change (SIFT: "Deleterious"; PolyPhen-2: "Probably Damaging"; Align-GVGD: "Class C0"). Algorithms developed to predict the effect of sequence changes on RNA splicing suggest that this variant may disrupt the consensus splice site. In summary, the available evidence is currently insufficient to determine the role of this variant in disease. Therefore, it has been classified as a Variant of Uncertain Significance.

GeneDx
Classification: Uncertain significance. Last evaluated: 2020-02-03. Review status: criteria provided, single submitter. Criteria: GeneDx Variant Classification Process June 2021. Collection method: clinical testing. Allele origin: germline. Affected: yes.
Comment: Not observed at a significant frequency in large population cohorts (Lek et al., 2016); In silico analysis supports that this missense variant has a deleterious effect on protein structure/function; Has not been previously published as pathogenic or benign to our knowledge

NM_001128178.3(NPHP1):c.1706A>T (p.Asp569Val)

Gene: NPHP1 (nephrocystin 1; minus strand). Cytogenetic location: 2q13.
Variant type: single nucleotide variant.
Coding change: c.1706A>T on transcript NM_001128178.3 (MANE Select); coding-DNA position 1706, A replaced by T.
Protein change: p.Asp569Val; replaces aspartic acid 569 with valine.
Molecular consequence: missense variant.
Genome position (GRCh38, 1-based): chr2:110,129,196, T>A on the plus strand (A>T on the coding strand, the complement: NPHP1 is on the minus strand). VCF-style: chr2-110129196-T-A. GRCh37 (hg19) VCF-style: chr2-110886773-T-A.
Other names: c.1874A>T (NM_000272.4); c.1874A>T, p.Asp625Val (NM_000272.5); c.1517A>T, p.Asp506Val (NM_001128179.3); c.1703A>T, p.Asp568Val (NM_001374256.1); c.1706A>T, p.Asp569Val (NM_001374257.1); c.1871A>T, p.Asp624Val (NM_207181.4); short protein forms D506V, D568V, D569V, D624V, D625V.
Identifiers: ClinVar variation 1315299 (VCV001315299.6), dbSNP rs778619698, ClinGen allele CA1826927.